The following is an entry in ClinVar:

ClinVar aggregate classification (germline): Uncertain significance (1 of 4 stars; one submission).

Submission:

GeneDx
Classification: Uncertain significance. Last evaluated: 2025-08-04. Review status: criteria provided, single submitter. Criteria: GeneDx Variant Classification Process June 2021. Collection method: clinical testing. Allele origin: germline. Affected: yes.
Comment: Not observed at significant frequency in large population cohorts (gnomAD); In silico analysis suggests that this missense variant does not alter protein structure/function; Has not been previously published as pathogenic or benign to our knowledge

NM_005334.3(HCFC1):c.3415T>C (p.Cys1139Arg)

Gene: HCFC1 (host cell factor C1; minus strand). Cytogenetic location: Xq28.
Variant type: single nucleotide variant.
Coding change: c.3415T>C on transcript NM_005334.3 (MANE Select); coding-DNA position 3415, T replaced by C.
Protein change: p.Cys1139Arg; replaces cysteine 1139 with arginine.
Molecular consequence: missense variant.
Genome position (GRCh38, 1-based): chrX:153,954,984, A>G on the plus strand (T>C on the coding strand, the complement: HCFC1 is on the minus strand). VCF-style: chrX-153954984-A-G. GRCh37 (hg19) VCF-style: chrX-153220435-A-G.
Other names: c.3415T>C, p.Cys1139Arg (NM_001410705.1, NM_001440843.1, NM_001440844.1 and 5 more transcripts); c.3217T>C, p.Cys1073Arg (NM_001440850.1, NM_001440851.1); short protein forms C1073R, C1139R.
Identifiers: ClinVar variation 4755956 (VCV004755956.1).